The following is an entry in ClinVar:

ClinVar aggregate classification (germline): Uncertain significance (1 of 4 stars; one submission).

Conditions:
Cardiovascular phenotype. Identifiers: MedGen CN230736.

Submission:

Ambry Genetics
Classification: Uncertain significance for Cardiovascular phenotype. Last evaluated: 2021-09-26. Review status: criteria provided, single submitter. Criteria: Ambry Variant Classification Scheme 2023. Collection method: clinical testing. Allele origin: germline.
Comment: The p.T505A variant (also known as c.1513A>G), located in coding exon 9 of the CYP27A1 gene, results from an A to G substitution at nucleotide position 1513. The threonine at codon 505 is replaced by alanine, an amino acid with similar properties. This amino acid position is conserved. In addition, this alteration is predicted to be tolerated by in silico analysis. Since supporting evidence is limited at this time, the clinical significance of this alteration remains unclear.

NM_000784.4(CYP27A1):c.1513A>G (p.Thr505Ala)

Gene: CYP27A1 (cytochrome P450 family 27 subfamily A member 1; plus strand). Cytogenetic location: 2q35.
Variant type: single nucleotide variant.
Coding change: c.1513A>G on transcript NM_000784.4 (MANE Select); coding-DNA position 1513, A replaced by G.
Protein change: p.Thr505Ala; replaces threonine 505 with alanine.
Molecular consequence: missense variant.
Genome position (GRCh38, 1-based): chr2:218,814,947, A>G. VCF-style: chr2-218814947-A-G. GRCh37 (hg19) VCF-style: chr2-219679670-A-G.
Other names: short protein forms T505A.
Identifiers: ClinVar variation 1774258 (VCV001774258.2), dbSNP rs2470230622, ClinGen allele CA350596317.